The following is an entry in ClinVar:

ClinVar aggregate classification (germline): Uncertain significance (1 of 4 stars; one submission).

Conditions:
Emery-Dreifuss muscular dystrophy 5, autosomal dominant (EDMD5). Also called: EMERY-DREIFUSS MUSCULAR DYSTROPHY 5. Identifiers: Orphanet 261, MedGen C2751805, MONDO:0013072, OMIM 612999.

Allele frequency attached by ClinVar (database versions not stated): TOPMed below 0.00001; gnomAD 0.00001.
gnomAD v4.1: 4 of 1,614,040 alleles (0.00025%); highest among the groups gnomAD compares: Admixed American, 0.0033%; no homozygotes.

Submission:

Labcorp Genetics (formerly Invitae), Labcorp
Classification: Uncertain significance for Emery-Dreifuss muscular dystrophy 5, autosomal dominant. Last evaluated: 2022-10-17. Review status: criteria provided, single submitter. Criteria: Invitae Variant Classification Sherloc (09022015). Collection method: clinical testing. Allele origin: germline.
Comment: Algorithms developed to predict the effect of missense changes on protein structure and function are either unavailable or do not agree on the potential impact of this missense change (SIFT: "Tolerated"; PolyPhen-2: "Possibly Damaging"; Align-GVGD: "Class C0"). In summary, the available evidence is currently insufficient to determine the role of this variant in disease. Therefore, it has been classified as a Variant of Uncertain Significance. This variant has not been reported in the literature in individuals affected with SYNE2-related conditions. This variant is present in population databases (no rsID available, gnomAD 0.003%). This sequence change replaces isoleucine, which is neutral and non-polar, with methionine, which is neutral and non-polar, at codon 3864 of the SYNE2 protein (p.Ile3864Met).

NM_182914.3(SYNE2):c.11592A>G (p.Ile3864Met)

Gene: SYNE2 (spectrin repeat containing nuclear envelope protein 2; plus strand). Cytogenetic location: 14q23.2.
Variant type: single nucleotide variant.
Coding change: c.11592A>G on transcript NM_182914.3 (MANE Select); coding-DNA position 11592, A replaced by G.
Protein change: p.Ile3864Met; replaces isoleucine 3864 with methionine.
Molecular consequence: missense variant.
Genome position (GRCh38, 1-based): chr14:64,087,778, A>G. VCF-style: chr14-64087778-A-G. GRCh37 (hg19) VCF-style: chr14-64554496-A-G.
Other names: c.11592A>G, p.Ile3864Met (NM_015180.6); short protein forms I3864M.
Identifiers: ClinVar variation 2092078 (VCV002092078.4), dbSNP rs1436166429, ClinGen allele CA389946072.